The following is an entry in ClinVar:

ClinVar aggregate classification (germline): Conflicting classifications of pathogenicity. Review status: criteria provided, conflicting classifications (1 of 4 stars). 3 submissions from 3 submitters: Uncertain significance (1); Likely benign (2). Last evaluated 2025-11-25.

Conditions:
Retinitis Pigmentosa, Recessive.
Leber congenital amaurosis 13 (LCA13). Identifiers: MedGen C2675186, MONDO:0012990, OMIM 612712.

Allele frequency attached by ClinVar (database versions not stated): gnomAD 0.00004 and 0.00008; TOPMed 0.00007; ESP Exome Variant Server 0.00008; gnomAD exomes 0.00021; ExAC 0.00026; 1000 Genomes Project 30x 0.00047; 1000 Genomes Project 0.00060.
gnomAD v4.1: 168 of 1,613,840 alleles (0.01%); highest among the groups gnomAD compares: South Asian, 0.093%; no homozygotes.

Submissions (3):

Labcorp Genetics (formerly Invitae), Labcorp
Classification: Likely benign for Leber congenital amaurosis 13. Last evaluated: 2025-11-25. Review status: criteria provided, single submitter. Criteria: Invitae Variant Classification Sherloc (09022015). Collection method: clinical testing. Allele origin: germline.

Blueprint Genetics
Classification: Likely benign. Last evaluated: 2024-09-25. Review status: criteria provided, single submitter. Criteria: ACMG Guidelines, 2015. Collection method: clinical testing. Allele origin: germline.

Illumina Laboratory Services, Illumina
Classification: Uncertain significance for Retinitis Pigmentosa, Recessive. Last evaluated: 2017-04-28. Review status: criteria provided, single submitter. Criteria: ICSL Variant Classification Criteria 13 December 2019. Collection method: clinical testing. Allele origin: germline.
Comment: This variant was observed as part of a predisposition screen in an ostensibly healthy population. A literature search was performed for the gene, cDNA change, and amino acid change (where applicable). Publications were found based on this search. However, the evidence from the literature, in combination with allele frequency data from public databases where available, was not sufficient to rule this variant in or out of causing disease. Therefore, this variant is classified as a variant of unknown significance.

Literature cited by the submitters: PubMed 17512964 (cited by Illumina Laboratory Services, Illumina).

NM_152443.3(RDH12):c.138C>T (p.Gly46=)

Genes: GPHN (gephyrin; plus strand), RDH12 (retinol dehydrogenase 12; plus strand). Cytogenetic location: 14q24.1.
Variant type: single nucleotide variant.
Coding change: c.138C>T on transcript NM_152443.3 (MANE Select); coding-DNA position 138, C replaced by T.
Protein change: p.Gly46=; no amino-acid change (glycine 46 retained).
Molecular consequence: synonymous variant.
Genome position (GRCh38, 1-based): chr14:67,724,542, C>T. VCF-style: chr14-67724542-C-T. GRCh37 (hg19) VCF-style: chr14-68191259-C-T.
Identifiers: ClinVar variation 712780 (VCV000712780.15), dbSNP rs140371232, ClinGen allele CA7238609.